The following is an entry in ClinVar:

ClinVar aggregate classification (germline): Uncertain significance (1 of 4 stars; one submission).

Conditions:
Hereditary spastic paraplegia 39 (SPG39). Also called: Spastic Paraplegia Type 39 (SPG39); SPASTIC PARAPLEGIA 39, AUTOSOMAL RECESSIVE. Identifiers: Orphanet 139480, MedGen C2677586, MONDO:0012787, OMIM 612020.

gnomAD v4.1: 18 of 1,613,734 alleles (0.0011%); highest among the groups gnomAD compares: South Asian, 0.0055%; no homozygotes.

Submission:

Labcorp Genetics (formerly Invitae), Labcorp
Classification: Uncertain significance for Hereditary spastic paraplegia 39. Last evaluated: 2025-03-30. Review status: criteria provided, single submitter. Criteria: Invitae Variant Classification Sherloc (09022015). Collection method: clinical testing. Allele origin: germline.
Comment: This sequence change replaces glycine, which is neutral and non-polar, with serine, which is neutral and polar, at codon 763 of the PNPLA6 protein (p.Gly763Ser). This variant also falls at the last nucleotide of exon 22, which is part of the consensus splice site for this exon. This variant is present in population databases (rs575336561, gnomAD 0.01%). This variant has not been reported in the literature in individuals affected with PNPLA6-related conditions. An algorithm developed to predict the effect of missense changes on protein structure and function (PolyPhen-2) suggests that this variant is likely to be disruptive. Variants that disrupt the consensus splice site are a relatively common cause of aberrant splicing (PMID: 17576681, 9536098). Algorithms developed to predict the effect of sequence changes on RNA splicing suggest that this variant may disrupt the consensus splice site. In summary, the available evidence is currently insufficient to determine the role of this variant in disease. Therefore, it has been classified as a Variant of Uncertain Significance.

Literature cited by the submitters: PubMed 17576681; PubMed 9536098.

NM_001166114.2(PNPLA6):c.2401G>A (p.Gly801Ser)

Gene: PNPLA6 (patatin like domain 6, lysophospholipase; plus strand). Cytogenetic location: 19p13.2.
Variant type: single nucleotide variant.
Coding change: c.2401G>A on transcript NM_001166114.2 (MANE Select); coding-DNA position 2401, G replaced by A.
Protein change: p.Gly801Ser; replaces glycine 801 with serine.
Molecular consequence: missense variant.
Genome position (GRCh38, 1-based): chr19:7,554,015, G>A. VCF-style: chr19-7554015-G-A. GRCh37 (hg19) VCF-style: chr19-7618901-G-A.
Other names: c.2431G>A, p.Gly811Ser (NM_001166111.2); c.2206G>A, p.Gly736Ser (NM_001166112.2); c.2287G>A, p.Gly763Ser (NM_001166113.1, NM_006702.5); short protein forms G763S, G801S, G811S, G736S.
Identifiers: ClinVar variation 4737248 (VCV004737248.1).